The following is an entry in ClinVar:

ClinVar aggregate classification (germline): Uncertain significance (1 of 4 stars; one submission).

Conditions:
Hereditary cancer-predisposing syndrome. Also called: Hereditary neoplastic syndrome; Neoplastic Syndromes, Hereditary; Tumor predisposition; Hereditary Cancer Syndrome. Identifiers: Orphanet 140162, MedGen C0027672, MeSH D009386, MONDO:0015356.

Submission:

Ambry Genetics
Classification: Uncertain significance for Hereditary cancer-predisposing syndrome. Last evaluated: 2025-08-08. Review status: criteria provided, single submitter. Criteria: Ambry Variant Classification Scheme 2023. Collection method: clinical testing. Allele origin: germline.
Comment: The p.G2706S variant (also known as c.8116G>A), located in coding exon 54 of the ATM gene, results from a G to A substitution at nucleotide position 8116. The glycine at codon 2706 is replaced by serine, an amino acid with similar properties. This amino acid position is highly conserved in available vertebrate species. In addition, this alteration is predicted to be deleterious by in silico analysis. Since supporting evidence is limited at this time, the clinical significance of this alteration remains unclear.

NM_000051.4(ATM):c.8116G>A (p.Gly2706Ser)

Genes: C11orf65 (chromosome 11 open reading frame 65; minus strand), ATM (ATM serine/threonine kinase; plus strand). Cytogenetic location: 11q22.3.
Variant type: single nucleotide variant.
Coding change: c.8116G>A on transcript NM_000051.4 (MANE Select); coding-DNA position 8116, G replaced by A.
Protein change: p.Gly2706Ser; replaces glycine 2706 with serine.
Molecular consequence: missense variant. On other transcripts: intron variant (2).
Genome position (GRCh38, 1-based): chr11:108,335,074, G>A. VCF-style: chr11-108335074-G-A. GRCh37 (hg19) VCF-style: chr11-108205801-G-A.
Other names: c.8116G>A, p.Gly2706Ser (NM_001351834.2); c.641-26003C>T (NM_001330368.2); c.*38+146C>T (NM_001351110.2); short protein forms G2706S.
Identifiers: ClinVar variation 1762059 (VCV001762059.3), dbSNP rs2136662430, ClinGen allele CA382562150.